The following is an entry in ClinVar:

ClinVar aggregate classification (germline): Uncertain significance (1 of 4 stars; one submission).

Conditions:
Epidermolysis bullosa simplex with nail dystrophy (EBS5D). Identifiers: MedGen C4225309, MONDO:0014661, OMIM 616487.
Epidermolysis bullosa simplex, Ogna type (EBS5A). Also called: EPIDERMOLYSIS BULLOSA SIMPLEX 5A, OGNA TYPE; Pidermolysis bullosa simplex 5A, Ogna type. Identifiers: Orphanet 79401, MedGen C0432317, MONDO:0007555, OMIM 131950.
Autosomal recessive limb-girdle muscular dystrophy type 2Q (LGMDR17). Also called: MUSCULAR DYSTROPHY, LIMB-GIRDLE, AUTOSOMAL RECESSIVE 17. Identifiers: Orphanet 254361, MedGen C3150989, MONDO:0013390, OMIM 613723.
Epidermolysis bullosa simplex 5B, with muscular dystrophy (EBS5B). Also called: EPIDERMOLYSIS BULLOSA SIMPLEX AND LIMB-GIRDLE MUSCULAR DYSTROPHY; Epidermolysis bullosa simplex with muscular dystrophy. Identifiers: Orphanet 257, MedGen C2931072, MONDO:0009181, OMIM 226670.
Epidermolysis bullosa simplex 5C, with pyloric atresia (EBS5C). Also called: PLEC-Related Epidermolysis Bullosa with Pyloric Atresia; Epidermolysis bullosa simplex with pyloric atresia; PLEC1-Related Epidermolysis Bullosa with Pyloric Atresia. Identifiers: Orphanet 158684, MedGen C2677349, MONDO:0012807, OMIM 612138.

Submission:

Labcorp Genetics (formerly Invitae), Labcorp
Classification: Uncertain significance for Autosomal recessive limb-girdle muscular dystrophy type 2Q; Epidermolysis bullosa simplex, Ogna type; Epidermolysis bullosa simplex with nail dystrophy; Epidermolysis bullosa simplex 5C, with pyloric atresia; Epidermolysis bullosa simplex 5B, with muscular dystrophy. Last evaluated: 2025-10-16. Review status: criteria provided, single submitter. Criteria: Invitae Variant Classification Sherloc (09022015). Collection method: clinical testing. Allele origin: germline.
Comment: This sequence change replaces arginine, which is basic and polar, with proline, which is neutral and non-polar, at codon 2011 of the PLEC protein (p.Arg2011Pro). This variant is not present in population databases (gnomAD no frequency). This variant has not been reported in the literature in individuals affected with PLEC-related conditions. Experimental studies and prediction algorithms are not available or were not evaluated, and the functional significance of this variant is currently unknown. In summary, the available evidence is currently insufficient to determine the role of this variant in disease. Therefore, it has been classified as a Variant of Uncertain Significance.

NM_201384.3(PLEC):c.5951G>C (p.Arg1984Pro)

Gene: PLEC (plectin; minus strand). Cytogenetic location: 8q24.3.
Variant type: single nucleotide variant.
Coding change: c.5951G>C on transcript NM_201384.3 (MANE Select); coding-DNA position 5951, G replaced by C.
Protein change: p.Arg1984Pro; replaces arginine 1984 with proline.
Molecular consequence: missense variant. On other transcripts: intron variant (1).
Genome position (GRCh38, 1-based): chr8:143,923,978, C>G on the plus strand (G>C on the coding strand, the complement: PLEC is on the minus strand). VCF-style: chr8-143923978-C-G. GRCh37 (hg19) VCF-style: chr8-144998146-C-G.
Other names: c.6032G>C, p.Arg2011Pro (NM_000445.5); c.5909G>C, p.Arg1970Pro (NM_201378.4); c.5885G>C, p.Arg1962Pro (NM_201379.3); c.6362G>C, p.Arg2121Pro (NM_201380.4); c.5855G>C, p.Arg1952Pro (NM_201381.3); c.5951G>C, p.Arg1984Pro (NM_201382.4); c.5963G>C, p.Arg1988Pro (NM_201383.3); c.4126-1583G>C (NM_001410941.1); short protein forms R1952P, R2011P, R2121P, R1970P, R1988P, R1962P, R1984P.
Identifiers: ClinVar variation 4791153 (VCV004791153.1).